The following is an entry in ClinVar:

NM_000104.4(CYP1B1):c.1267A>T (p.Asn423Tyr)

Gene: CYP1B1 (cytochrome P450 family 1 subfamily B member 1; minus strand). Cytogenetic location: 2p22.2.
Variant type: single nucleotide variant.
Coding change: c.1267A>T on transcript NM_000104.4 (MANE Select); coding-DNA position 1267, A replaced by T.
Protein change: p.Asn423Tyr; replaces asparagine 423 with tyrosine.
Molecular consequence: missense variant.
Genome position (GRCh38, 1-based): chr2:38,071,087, T>A on the plus strand (A>T on the coding strand, the complement: CYP1B1 is on the minus strand). VCF-style: chr2-38071087-T-A. GRCh37 (hg19) VCF-style: chr2-38298230-T-A.
Other names: c.1267A>T (NM_000104.3); short protein forms N423Y.
Identifiers: ClinVar variation 7743 (VCV000007743.6), dbSNP rs104893629, ClinGen allele CA119017.

ClinVar aggregate classification (germline): Likely pathogenic. Review status: criteria provided, multiple submitters, no conflicts (2 of 4 stars). 4 submissions from 3 submitters: Likely pathogenic (2). 2 of the submissions do not count toward it. Last evaluated 2023-04-28.

Conditions:
Congenital glaucoma. Identifiers: MedGen C0020302, MONDO:0020366.
Glaucoma, primary open angle, juvenile-onset. Identifiers: MedGen C3278153.
Glaucoma 3A. Also called: Glaucoma 3, primary congenital, A. Identifiers: Orphanet 98976, Orphanet 98977, MedGen C1856439, MONDO:0009277, OMIM 231300.
Primary congenital glaucoma. Also called: Primary congenital glaucoma (disease). Identifiers: MedGen C1533041, MONDO:0000365, HP:0008007.

Allele frequency attached by ClinVar (database versions not stated): ExAC 0.00001; gnomAD 0.00001; gnomAD exomes 0.00001; TOPMed 0.00001.
gnomAD v4.1: 18 of 1,612,620 alleles (0.0011%); highest among the groups gnomAD compares: Non-Finnish European, 0.0015%; no homozygotes.

Submissions (4):

Women's Health and Genetics/Laboratory Corporation of America, LabCorp
Classification: Likely pathogenic for Primary congenital glaucoma. Last evaluated: 2023-04-28. Review status: criteria provided, single submitter. Criteria: LabCorp Variant Classification Summary - May 2015. Collection method: clinical testing. Allele origin: germline.
Comment: Variant summary: CYP1B1 c.1267A>T (p.Asn423Tyr) results in a non-conservative amino acid change in the encoded protein sequence. Five of five in-silico tools predict a damaging effect of the variant on protein function. The variant allele was found at a frequency of 1.2e-05 in 251282 control chromosomes. The available data on variant occurrences in the general population are insufficient to allow any conclusion about variant significance. c.1267A>T has been reported in the literature in at least three compound heterozygous individuals affected with Primary Congenital Glaucoma and was shown to segregate with disease in two siblings (Colomb_2003, Melki_2004, Voltzke_2019 [No PubMed ID]). These data indicate that the variant is likely to be associated with disease. To our knowledge, no experimental evidence demonstrating an impact on protein function has been reported. The following publications have been ascertained in the context of this evaluation (PMID: 14635112, 15342693). No clinical diagnostic laboratories have submitted clinical-significance assessments for this variant to ClinVar after 2014. Based on the evidence outlined above, the variant was classified as likely pathogenic.

Labcorp Genetics (formerly Invitae), Labcorp
Classification: Likely pathogenic for Congenital glaucoma. Last evaluated: 2023-03-20. Review status: criteria provided, single submitter. Criteria: Invitae Variant Classification Sherloc (09022015). Collection method: clinical testing. Allele origin: germline.
Comment: This sequence change replaces asparagine, which is neutral and polar, with tyrosine, which is neutral and polar, at codon 423 of the CYP1B1 protein (p.Asn423Tyr). This variant is present in population databases (rs104893629, gnomAD 0.003%). This missense change has been observed in individual(s) with CYP1B1-related glaucoma and/or primary congenital glaucoma (PMID: 14635112, 15342693). In at least one individual the data is consistent with being in trans (on the opposite chromosome) from a pathogenic variant. It has also been observed to segregate with disease in related individuals. ClinVar contains an entry for this variant (Variation ID: 7743). Advanced modeling of protein sequence and biophysical properties (such as structural, functional, and spatial information, amino acid conservation, physicochemical variation, residue mobility, and thermodynamic stability) performed at Invitae indicates that this missense variant is expected to disrupt CYP1B1 protein function. In summary, the currently available evidence indicates that the variant is pathogenic, but additional data are needed to prove that conclusively. Therefore, this variant has been classified as Likely Pathogenic.

OMIM
Classification: Pathogenic for GLAUCOMA, PRIMARY OPEN ANGLE, JUVENILE-ONSET. Last evaluated: 2004-09-01. Review status: no assertion criteria provided. Collection method: literature only. Allele origin: germline. Not counted in ClinVar's aggregate classification.

OMIM
Classification: Pathogenic for GLAUCOMA 3, PRIMARY CONGENITAL, A. Last evaluated: 2004-09-01. Review status: no assertion criteria provided. Collection method: literature only. Allele origin: germline. Not counted in ClinVar's aggregate classification.

Literature cited by the submitters: PubMed 15342693 (cited by 3 submitters); PubMed 14635112 (cited by Women's Health and Genetics/Laboratory Corporation of America, LabCorp and Labcorp Genetics (formerly Invitae), Labcorp).